The following is an entry in ClinVar:

ClinVar aggregate classification (germline): Uncertain significance (1 of 4 stars; one submission).

Submission:

GeneDx
Classification: Uncertain significance. Last evaluated: 2023-01-25. Review status: criteria provided, single submitter. Criteria: GeneDx Variant Classification Process June 2021. Collection method: clinical testing. Allele origin: germline. Affected: yes.
Comment: Not observed at significant frequency in large population cohorts (gnomAD); In silico analysis supports that this missense variant does not alter protein structure/function; Has not been previously published as pathogenic or benign to our knowledge

NM_017934.7(PHIP):c.537T>G (p.Ile179Met)

Gene: PHIP (PHIP subunit of CUL4-Ring ligase complex; minus strand). Cytogenetic location: 6q14.1.
Variant type: single nucleotide variant.
Coding change: c.537T>G on transcript NM_017934.7 (MANE Select); coding-DNA position 537, T replaced by G.
Protein change: p.Ile179Met; replaces isoleucine 179 with methionine.
Molecular consequence: missense variant.
Genome position (GRCh38, 1-based): chr6:79,042,906, A>C on the plus strand (T>G on the coding strand, the complement: PHIP is on the minus strand). VCF-style: chr6-79042906-A-C. GRCh37 (hg19) VCF-style: chr6-79752623-A-C.
Other names: short protein forms I179M.
Identifiers: ClinVar variation 2412907 (VCV002412907.3), dbSNP rs2482269001, ClinGen allele CA364643102.